The following is an entry in ClinVar:

ClinVar aggregate classification (germline): Likely benign. Review status: criteria provided, multiple submitters, no conflicts (2 of 4 stars). 4 submissions from 4 submitters: Likely benign (3). 1 of the submissions does not count toward it. Last evaluated 2026-05-15.

Conditions:
OTX2-related disorder. Also called: OTX2-related disorders; OTX2-related condition.
Anophthalmia-microphthalmia syndrome. Also called: Anophthalmia - microphthalmia; Anophthalmia/Microphthalmia. Identifiers: Orphanet 98555, MedGen C5680330, MONDO:0020147.

Allele frequency attached by ClinVar (database versions not stated): gnomAD exomes below 0.00001 and 0.00001; ExAC 0.00002; gnomAD 0.00008 and 0.00009; TOPMed 0.00012; ESP Exome Variant Server 0.00015.
gnomAD v4.1: 22 of 1,614,018 alleles (0.0014%); highest among the groups gnomAD compares: African/African-American, 0.025%; no homozygotes.

Submissions (4):

Women's Health and Genetics/Laboratory Corporation of America, LabCorp
Classification: Likely benign. Last evaluated: 2026-05-15. Review status: criteria provided, single submitter. Criteria: LabCorp Variant Classification Summary - May 2015. Collection method: clinical testing. Allele origin: germline.

Labcorp Genetics (formerly Invitae), Labcorp
Classification: Likely benign for Anophthalmia-microphthalmia syndrome. Last evaluated: 2024-04-05. Review status: criteria provided, single submitter. Criteria: Invitae Variant Classification Sherloc (09022015). Collection method: clinical testing. Allele origin: germline.

Blueprint Genetics
Classification: Likely benign. Last evaluated: 2018-05-20. Review status: criteria provided, single submitter. Criteria: ACMG Guidelines, 2015. Collection method: clinical testing. Allele origin: germline.

PreventionGenetics, part of Exact Sciences
Classification: Likely benign for OTX2-related condition. Last evaluated: 2023-05-30. Review status: no assertion criteria provided. Collection method: clinical testing. Allele origin: germline. Not counted in ClinVar's aggregate classification.
Comment: This variant is classified as likely benign based on ACMG/AMP sequence variant interpretation guidelines (Richards et al. 2015 PMID: 25741868, with internal and published modifications).

NM_021728.4(OTX2):c.477C>A (p.Ile159=)

Gene: OTX2 (orthodenticle homeobox 2; minus strand). Cytogenetic location: 14q22.3.
Variant type: single nucleotide variant.
Coding change: c.477C>A on transcript NM_021728.4 (MANE Select); coding-DNA position 477, C replaced by A.
Protein change: p.Ile159=; no amino-acid change (isoleucine 159 retained).
Molecular consequence: synonymous variant. On other transcripts: non-coding transcript variant (2).
Genome position (GRCh38, 1-based): chr14:56,802,152, G>T on the plus strand (C>A on the coding strand, the complement: OTX2 is on the minus strand). VCF-style: chr14-56802152-G-T. GRCh37 (hg19) VCF-style: chr14-57268870-G-T.
Other names: c.453C>A (NM_172337.2); c.453C>A, p.Ile151= (NM_001270523.2, NM_001270524.2, NM_172337.3); c.477C>A, p.Ile159= (NM_001270525.2).
Identifiers: ClinVar variation 1443269 (VCV001443269.11), dbSNP rs373798705, ClinGen allele CA7200467.
Genomic context (GRCh38, chr14:56,802,152, plus strand): 5'-CATGCAGGAAGAGGAGGTGGACAAGGGATCTGACAGTGGGGAGATGGAAGCTGGGCTCCA[G>T]ATAGACACAGGAGCACTGCTGCTGGCAATGGTCGGGACTGAGGTGCTAGAGGGGGGAGTG-3'
Protein context (NP_068374.1, residues 149-169): TIASSSAPVS[Ile159=]WSPASISPLS